The following is an entry in ClinVar:

ClinVar aggregate classification (germline): Uncertain significance. Review status: criteria provided, multiple submitters, no conflicts (2 of 4 stars). 6 submissions from 6 submitters: Uncertain significance (5). 1 of the submissions does not count toward it. Last evaluated 2025-10-02.

Conditions:
Nemaline myopathy 2 (NEM2). Also called: Nemaline myopathy 2, autosomal recessive. Identifiers: MedGen C1850569, MONDO:0009725, OMIM 256030.

Allele frequency attached by ClinVar (database versions not stated): gnomAD 0.00006 and 0.00007; 1000 Genomes Project 0.00020; ExAC 0.00002; 1000 Genomes Project 30x 0.00016; gnomAD exomes 0.00002; ESP Exome Variant Server 0.00008; TOPMed 0.00008.
gnomAD v4.1: 202 of 1,613,962 alleles (0.013%); highest among the groups gnomAD compares: Non-Finnish European, 0.016%; no homozygotes.

Submissions (6):

Mayo Clinic Laboratories, Mayo Clinic
Classification: Uncertain significance. Last evaluated: 2025-10-02. Review status: criteria provided, single submitter. Criteria: ACMG Guidelines, 2015. Collection method: clinical testing. Allele origin: germline. Observed: 1 variant allele.
Comment: BP4_strong

GeneDx
Classification: Uncertain significance. Last evaluated: 2025-07-19. Review status: criteria provided, single submitter. Criteria: GeneDx Variant Classification Process June 2021. Collection method: clinical testing. Allele origin: germline. Affected: yes.
Comment: Not observed at significant frequency in large population cohorts (gnomAD); In silico analysis suggests that this missense variant does not alter protein structure/function; Has not been previously published as pathogenic or benign to our knowledge

Labcorp Genetics (formerly Invitae), Labcorp
Classification: Uncertain significance for Nemaline myopathy 2. Last evaluated: 2022-09-01. Review status: criteria provided, single submitter. Criteria: Invitae Variant Classification Sherloc (09022015). Collection method: clinical testing. Allele origin: germline.
Comment: This sequence change replaces histidine, which is basic and polar, with arginine, which is basic and polar, at codon 785 of the NEB protein (p.His785Arg). The frequency data for this variant in the population databases is considered unreliable, as metrics indicate poor data quality at this position in the gnomAD database. This variant has not been reported in the literature in individuals affected with NEB-related conditions. ClinVar contains an entry for this variant (Variation ID: 331527). Algorithms developed to predict the effect of missense changes on protein structure and function are either unavailable or do not agree on the potential impact of this missense change (SIFT: "Tolerated"; PolyPhen-2: "Not Available"; Align-GVGD: "Class C0"). In summary, the available evidence is currently insufficient to determine the role of this variant in disease. Therefore, it has been classified as a Variant of Uncertain Significance.

Revvity Omics, Revvity
Classification: Uncertain significance. Last evaluated: 2020-09-10. Review status: criteria provided, single submitter. Criteria: ACMG Guidelines, 2015. Collection method: clinical testing. Allele origin: germline.

Illumina Laboratory Services, Illumina
Classification: Uncertain significance for Nemaline myopathy 2. Last evaluated: 2018-01-13. Review status: criteria provided, single submitter. Criteria: ICSL Variant Classification Criteria 13 December 2019. Collection method: clinical testing. Allele origin: germline.

Natera, Inc.
Classification: Uncertain significance for Nemaline myopathy type 2. Last evaluated: 2019-11-11. Review status: no assertion criteria provided. Collection method: clinical testing. Allele origin: germline. Not counted in ClinVar's aggregate classification.

NM_001164508.2(NEB):c.2354A>G (p.His785Arg)

Gene: NEB (nebulin; minus strand). Cytogenetic location: 2q23.3.
Variant type: single nucleotide variant.
Coding change: c.2354A>G on transcript NM_001164508.2 (MANE Select); coding-DNA position 2354, A replaced by G.
Protein change: p.His785Arg; replaces histidine 785 with arginine.
Molecular consequence: missense variant.
Genome position (GRCh38, 1-based): chr2:151,688,353, T>C on the plus strand (A>G on the coding strand, the complement: NEB is on the minus strand). VCF-style: chr2-151688353-T-C. GRCh37 (hg19) VCF-style: chr2-152544867-T-C.
Other names: p.His785Arg; c.2354A>G (NM_001271208.1); c.2354A>G, p.His785Arg (NM_001164507.2, NM_001271208.2, NM_004543.5); short protein forms H785R.
Identifiers: ClinVar variation 331527 (VCV000331527.15), dbSNP rs370296542, ClinGen allele CA1911243.